The following is an entry in ClinVar:

NC_000016.9:g.(?_28493406)_(28500727_?)dup

Gene: CLN3 (CLN3 lysosomal/endosomal transmembrane protein, battenin; minus strand). Cytogenetic location: 16p11.2.
Variant type: Duplication.
Identifiers: ClinVar variation 3243310 (VCV003243310.1).

ClinVar aggregate classification (germline): Likely pathogenic (1 of 4 stars; one submission).

Conditions:
Neuronal ceroid lipofuscinosis. Also called: Neuronal Ceroid Lipofuscinoses. Identifiers: Orphanet 216, Orphanet 79263, MedGen C0027877, MONDO:0016295. Disease mechanism: loss of function.

Submission:

Labcorp Genetics (formerly Invitae), Labcorp
Classification: Likely pathogenic for Neuronal ceroid lipofuscinosis. Last evaluated: 2023-12-10. Review status: criteria provided, single submitter. Criteria: Invitae Variant Classification Sherloc (09022015). Collection method: clinical testing. Allele origin: unknown.
Comment: This variant results in a copy number gain of the genomic region encompassing exon(s) 4-14 of the CLN3 gene. While the exact position of this variant cannot be determined from the data, sub-genic copy number gains are generally in tandem (PMID: 25640679). This variant is predicted to be out-of-frame, and may result in an absent or disrupted protein product. Loss-of-function variants in CLN3 are known to be pathogenic (PMID: 9311735, 28542676). This variant has not been reported in the literature in individuals affected with CLN3-related conditions. In summary, the currently available evidence indicates that the variant is pathogenic, but additional data are needed to prove that conclusively. Therefore, this variant has been classified as Likely Pathogenic.

Literature cited by the submitters: PubMed 25640679; PubMed 9311735; PubMed 28542676.